The following is an entry in ClinVar:

ClinVar aggregate classification (germline): Conflicting classifications of pathogenicity. Review status: criteria provided, conflicting classifications (1 of 4 stars). 3 submissions from 3 submitters: Likely pathogenic (1); Uncertain significance (2). Last evaluated 2025-02-04.

Conditions:
Hereditary cancer-predisposing syndrome. Also called: Neoplastic Syndromes, Hereditary; Hereditary Cancer Syndrome; Tumor predisposition; Hereditary neoplastic syndrome. Identifiers: Orphanet 140162, MedGen C0027672, MeSH D009386, MONDO:0015356.
Cardiovascular phenotype. Identifiers: MedGen CN230736.

gnomAD v4.1: 2 of 1,612,648 alleles (0.00012%); highest among the groups gnomAD compares: Non-Finnish European, 0.000085%; no homozygotes.

Submissions (3):

Labcorp Genetics (formerly Invitae), Labcorp
Classification: Uncertain significance. Last evaluated: 2025-02-04. Review status: criteria provided, single submitter. Criteria: Invitae Variant Classification Sherloc (09022015). Collection method: clinical testing. Allele origin: germline.
Comment: This sequence change replaces alanine, which is neutral and non-polar, with glutamic acid, which is acidic and polar, at codon 465 of the LZTR1 protein (p.Ala465Glu). The frequency data for this variant in the population databases is considered unreliable, as metrics indicate poor data quality at this position in the gnomAD database. This missense change has been observed in individual(s) with schwannomas (PMID: 25335493, 28365909). In at least one individual the variant was observed to be de novo. ClinVar contains an entry for this variant (Variation ID: 1525793). Invitae Evidence Modeling of protein sequence and biophysical properties (such as structural, functional, and spatial information, amino acid conservation, physicochemical variation, residue mobility, and thermodynamic stability) indicates that this missense variant is not expected to disrupt LZTR1 protein function with a negative predictive value of 80%. This variant disrupts the p.Ala465 amino acid residue in LZTR1. Other variant(s) that disrupt this residue have been determined to be pathogenic (PMID: 32004086, 32575496, 34958143; internal data). This suggests that this residue is clinically significant, and that variants that disrupt this residue are likely to be disease-causing. In summary, the available evidence is currently insufficient to determine the role of this variant in disease. Therefore, it has been classified as a Variant of Uncertain Significance.

Ambry Genetics
Classification: Likely pathogenic for Cardiovascular phenotype; Hereditary cancer-predisposing syndrome. Last evaluated: 2025-01-23. Review status: criteria provided, single submitter. Criteria: Ambry Variant Classification Scheme 2023. Collection method: clinical testing. Allele origin: germline.
Comment: The p.A465E variant (also known as c.1394C>A), located in coding exon 13 of the LZTR1 gene, results from a C to A substitution at nucleotide position 1394. The alanine at codon 465 is replaced by glutamic acid, an amino acid with dissimilar properties. This variant was reported in individual(s) with features consistent with LZTR1-related schwannomatosis (Paganini I et al. Eur J Hum Genet, 2015 Jul;23:963-8; Bianchessi D et al. Genes (Basel), 2020 Jun;11). Other variant(s) at the same codon, p.A465V (c.1394C>T), have been identified in individual(s) with features consistent with LZTR1-related schwannomatosis (Louvrier C et al. Neuro Oncol, 2018 Jun;20:917-929; external communication; Ambry internal data). This variant is considered to be rare based on population cohorts in the Genome Aggregation Database (gnomAD). This amino acid position is highly conserved in available vertebrate species. In addition, this alteration is predicted to be deleterious by in silico analysis. Based on the supporting evidence, this variant is likely pathogenic for an increased risk of LZTR1-related schwannomatosis (SWN). This alteration is also likely to cause autosomal recessive Noonan syndrome when present along with a second pathogenic variant on the other allele.

GeneDx
Classification: Uncertain significance. Last evaluated: 2024-06-08. Review status: criteria provided, single submitter. Criteria: GeneDx Variant Classification Process June 2021. Collection method: clinical testing. Allele origin: germline. Affected: yes.
Comment: Not observed at significant frequency in large population cohorts (gnomAD); In silico analysis supports that this missense variant has a deleterious effect on protein structure/function; This variant is associated with the following publications: (PMID: 25335493, 28365909)

Literature cited by the submitters: PubMed 25335493 (cited by Labcorp Genetics (formerly Invitae), Labcorp and Ambry Genetics); PubMed 28365909 (cited by Labcorp Genetics (formerly Invitae), Labcorp); PubMed 32004086 (cited by Labcorp Genetics (formerly Invitae), Labcorp); PubMed 32575496 (cited by Labcorp Genetics (formerly Invitae), Labcorp and Ambry Genetics); PubMed 34958143 (cited by Labcorp Genetics (formerly Invitae), Labcorp).

NM_006767.4(LZTR1):c.1394C>A (p.Ala465Glu)

Gene: LZTR1 (leucine zipper like post translational regulator 1; plus strand). Cytogenetic location: 22q11.21.
Variant type: single nucleotide variant.
Coding change: c.1394C>A on transcript NM_006767.4 (MANE Select); coding-DNA position 1394, C replaced by A.
Protein change: p.Ala465Glu; replaces alanine 465 with glutamic acid.
Molecular consequence: missense variant.
Genome position (GRCh38, 1-based): chr22:20,993,964, C>A. VCF-style: chr22-20993964-C-A. GRCh37 (hg19) VCF-style: chr22-21348253-C-A.
Other names: c.1394C>A (NM_006767.3); short protein forms A465E.
Identifiers: ClinVar variation 1525793 (VCV001525793.10), dbSNP rs753757778, ClinGen allele CA10118869.